The following is an entry in ClinVar:

ClinVar aggregate classification (germline): Uncertain significance. Review status: criteria provided, multiple submitters, no conflicts (2 of 4 stars). 2 submissions from 2 submitters: Uncertain significance (2). Last evaluated 2021-11-05.

Conditions:
Isolated cryptophthalmia. Also called: Cryptophthalmos, unilateral or bilateral, isolated; ANKYLOBLEPHARON, SIMPLE. Identifiers: Orphanet 91396, MedGen C1852453, MONDO:0007410, OMIM 123570.
Fraser syndrome 2 (FRASRS2). Identifiers: MedGen C4540036, MONDO:0054738, OMIM 617666.

Allele frequency attached by ClinVar (database versions not stated): TOPMed 0.00002; ExAC 0.00005; gnomAD exomes 0.00006.
gnomAD v4.1: 18 of 1,613,686 alleles (0.0011%); highest among the groups gnomAD compares: Admixed American, 0.027%; no homozygotes.

Submissions (2):

Fulgent Genetics
Classification: Uncertain significance for Isolated cryptophthalmia; Fraser syndrome 2. Last evaluated: 2021-11-05. Review status: criteria provided, single submitter. Criteria: ACMG Guidelines, 2015. Collection method: clinical testing. Allele origin: unknown.

Labcorp Genetics (formerly Invitae), Labcorp
Classification: Uncertain significance. Last evaluated: 2021-09-24. Review status: criteria provided, single submitter. Criteria: Invitae Variant Classification Sherloc (09022015). Collection method: clinical testing. Allele origin: germline.
Comment: This sequence change replaces aspartic acid with valine at codon 2368 of the FREM2 protein (p.Asp2368Val). The aspartic acid residue is moderately conserved and there is a large physicochemical difference between aspartic acid and valine. This variant is present in population databases (rs760834204, ExAC 0.05%). This variant has not been reported in the literature in individuals with FREM2-related conditions. Algorithms developed to predict the effect of missense changes on protein structure and function are either unavailable or do not agree on the potential impact of this missense change (SIFT: "Deleterious"; PolyPhen-2: "Probably Damaging"; Align-GVGD: "Class C0"). In summary, the available evidence is currently insufficient to determine the role of this variant in disease. Therefore, it has been classified as a Variant of Uncertain Significance.

NM_207361.6(FREM2):c.7103A>T (p.Asp2368Val)

Gene: FREM2 (FRAS1 related extracellular matrix 2; plus strand). Cytogenetic location: 13q13.3.
Variant type: single nucleotide variant.
Coding change: c.7103A>T on transcript NM_207361.6 (MANE Select); coding-DNA position 7103, A replaced by T.
Protein change: p.Asp2368Val; replaces aspartic acid 2368 with valine.
Molecular consequence: missense variant.
Genome position (GRCh38, 1-based): chr13:38,857,921, A>T. VCF-style: chr13-38857921-A-T. GRCh37 (hg19) VCF-style: chr13-39432058-A-T.
Other names: short protein forms D2368V.
Identifiers: ClinVar variation 1497890 (VCV001497890.6), dbSNP rs760834204, ClinGen allele CA6955767.